The following is an entry in ClinVar:

ClinVar aggregate classification (germline): Uncertain significance (1 of 4 stars; one submission).

Conditions:
Cardiovascular phenotype. Identifiers: MedGen CN230736.

Submission:

Ambry Genetics
Classification: Uncertain significance for Cardiovascular phenotype. Last evaluated: 2023-02-03. Review status: criteria provided, single submitter. Criteria: Ambry Variant Classification Scheme 2023. Collection method: clinical testing. Allele origin: germline.
Comment: The p.G384C variant (also known as c.1150G>T), located in coding exon 11 of the ACTN2 gene, results from a G to T substitution at nucleotide position 1150. The glycine at codon 384 is replaced by cysteine, an amino acid with highly dissimilar properties. This amino acid position is conserved. In addition, this alteration is predicted to be deleterious by in silico analysis. Since supporting evidence is limited at this time, the clinical significance of this alteration remains unclear.

NM_001103.4(ACTN2):c.1150G>T (p.Gly384Cys)

Gene: ACTN2 (actinin alpha 2; plus strand). Cytogenetic location: 1q43.
Variant type: single nucleotide variant.
Coding change: c.1150G>T on transcript NM_001103.4 (MANE Select); coding-DNA position 1150, G replaced by T.
Protein change: p.Gly384Cys; replaces glycine 384 with cysteine.
Molecular consequence: missense variant. On other transcripts: non-coding transcript variant (1).
Genome position (GRCh38, 1-based): chr1:236,742,938, G>T. VCF-style: chr1-236742938-G-T. GRCh37 (hg19) VCF-style: chr1-236906238-G-T.
Other names: c.1150G>T, p.Gly384Cys (NM_001278343.2); c.526G>T, p.Gly176Cys (NM_001278344.2); c.400G>T, p.Gly134Cys (NM_001412150.1); short protein forms G134C, G176C, G384C.
Identifiers: ClinVar variation 2447693 (VCV002447693.2), dbSNP rs2527609255, ClinGen allele CA345382135.